The following is an entry in ClinVar:

NM_006446.5(SLCO1B1):c.335C>T (p.Ala112Val)

Gene: SLCO1B1 (solute carrier organic anion transporter family member 1B1; plus strand). Cytogenetic location: 12p12.1.
Variant type: single nucleotide variant.
Coding change: c.335C>T on transcript NM_006446.5 (MANE Select); coding-DNA position 335, C replaced by T.
Protein change: p.Ala112Val; replaces alanine 112 with valine.
Molecular consequence: missense variant.
Genome position (GRCh38, 1-based): chr12:21,174,685, C>T. VCF-style: chr12-21174685-C-T. GRCh37 (hg19) VCF-style: chr12-21327619-C-T.
Other names: short protein forms A112V.
Identifiers: ClinVar variation 3391201 (VCV003391201.1).

ClinVar aggregate classification (germline): Uncertain significance (1 of 4 stars; one submission).

Conditions:
Rotor syndrome (HBLRR). Also called: HYPERBILIRUBINEMIA, ROTOR TYPE, DIGENIC; HYPERBILIRUBINEMIA, ROTOR TYPE. Identifiers: Orphanet 3111, MedGen C0220991, MONDO:0009379, OMIM 237450.

gnomAD v4.1: 1 of 1,609,206 alleles (0.000062%); highest among the groups gnomAD compares: Non-Finnish European, 0.000085%; no homozygotes.

Submission:

Neuberg Centre For Genomic Medicine, NCGM
Classification: Uncertain significance for Rotor syndrome. Last evaluated: 2023-07-22. Review status: criteria provided, single submitter. Criteria: ACMG Guidelines, 2015. Collection method: clinical testing. Allele origin: germline. Inheritance: Autosomal dominant inheritance. Affected: yes.
Comment: The amino acid Ala at position 112 is changed to a Val changing protein sequence and it might alter its composition and physico-chemical properties. This variant has not been reported to the ClinVar database. The amino acid change p.Ala112Val in SLCO1B1 is predicted as conserved by GERP++ and PhyloP across 100 vertebrates. The p.Ala112Val variant is novel not in any individuals in gnomAD Exomes and 1000 Genomes. This variant is classified as uncertain significance as per ACMG guidelines automatically. The classification is based on ACMG rules, with the supporting clinical evidence rules PM2,PP3. For these reasons, this variant has been classified as uncertain significance .